The following is an entry in ClinVar:

ClinVar aggregate classification (germline): Conflicting classifications of pathogenicity. Review status: criteria provided, conflicting classifications (1 of 4 stars). 2 submissions from 2 submitters: Uncertain significance (1); Likely benign (1). Last evaluated 2024-10-15.

Conditions:
Predisposition to invasive fungal disease due to CARD9 deficiency (IMD103). Also called: Candidiasis, familial, 2, autosomal recessive; CARD9 IMMUNODEFICIENCY; IMMUNODEFICIENCY 103, SUSCEPTIBILITY TO FUNGAL INFECTIONS. Identifiers: Orphanet 457088, MedGen C1859353, MONDO:0008905, OMIM 212050.

Allele frequency attached by ClinVar (database versions not stated): gnomAD 0.00005 and 0.00007; TOPMed 0.00007; gnomAD exomes 0.00011 and 0.00022; ExAC 0.00025.
gnomAD v4.1: 171 of 1,612,666 alleles (0.011%); highest among the groups gnomAD compares: South Asian, 0.15%; 1 homozygote.

Submissions (2):

Labcorp Genetics (formerly Invitae), Labcorp
Classification: Uncertain significance for Predisposition to invasive fungal disease due to CARD9 deficiency. Last evaluated: 2024-10-15. Review status: criteria provided, single submitter. Criteria: Invitae Variant Classification Sherloc (09022015). Collection method: clinical testing. Allele origin: germline.
Comment: This sequence change replaces threonine, which is neutral and polar, with methionine, which is neutral and non-polar, at codon 20 of the CARD9 protein (p.Thr20Met). This variant is present in population databases (rs763713013, gnomAD 0.2%). This variant has not been reported in the literature in individuals affected with CARD9-related conditions. ClinVar contains an entry for this variant (Variation ID: 1046340). Invitae Evidence Modeling of protein sequence and biophysical properties (such as structural, functional, and spatial information, amino acid conservation, physicochemical variation, residue mobility, and thermodynamic stability) indicates that this missense variant is not expected to disrupt CARD9 protein function with a negative predictive value of 80%. In summary, the available evidence is currently insufficient to determine the role of this variant in disease. Therefore, it has been classified as a Variant of Uncertain Significance.

Blueprint Genetics
Classification: Likely benign. Last evaluated: 2022-01-14. Review status: criteria provided, single submitter. Criteria: ACMG Guidelines, 2015. Collection method: clinical testing. Allele origin: germline.

NM_052813.5(CARD9):c.59C>T (p.Thr20Met)

Gene: CARD9 (caspase recruitment domain family member 9; minus strand). Cytogenetic location: 9q34.3.
Variant type: single nucleotide variant.
Coding change: c.59C>T on transcript NM_052813.5 (MANE Select); coding-DNA position 59, C replaced by T.
Protein change: p.Thr20Met; replaces threonine 20 with methionine.
Molecular consequence: missense variant.
Genome position (GRCh38, 1-based): chr9:136,372,020, G>A on the plus strand (C>T on the coding strand, the complement: CARD9 is on the minus strand). VCF-style: chr9-136372020-G-A. GRCh37 (hg19) VCF-style: chr9-139266472-G-A.
Other names: c.59C>T, p.Thr20Met (NM_052814.4); short protein forms T20M.
Identifiers: ClinVar variation 1046340 (VCV001046340.8), dbSNP rs763713013, ClinGen allele CA5333260.